The following is an entry in ClinVar:

NM_017617.5(NOTCH1):c.865+10C>T

Gene: NOTCH1 (notch receptor 1; minus strand). Cytogenetic location: 9q34.3.
Variant type: single nucleotide variant.
Coding change: c.865+10C>T on transcript NM_017617.5 (MANE Select); 10 bases into the intron after coding-DNA position 865, C replaced by T.
Molecular consequence: intron variant.
Genome position (GRCh38, 1-based): chr9:136,519,433, G>A on the plus strand (C>T on the coding strand, the complement: NOTCH1 is on the minus strand). VCF-style: chr9-136519433-G-A. GRCh37 (hg19) VCF-style: chr9-139413885-G-A.
Other names: c.865+10C>T (LRG_1122t1, NM_017617.4).
Identifiers: ClinVar variation 547711 (VCV000547711.11), dbSNP rs760702631, ClinGen allele CA5342020.

ClinVar aggregate classification (germline): Conflicting classifications of pathogenicity. Review status: criteria provided, conflicting classifications (1 of 4 stars). 3 submissions from 3 submitters: Uncertain significance (1); Likely benign (1). 1 of the submissions does not count toward it. Last evaluated 2025-11-25.

Conditions:
Connective tissue disorder. Also called: Connective tissue disease. Identifiers: MedGen C0009782, MONDO:0003900.
NOTCH1-related disorder. Also called: NOTCH1-related disorders; NOTCH1-related condition.
Adams-Oliver syndrome 5 (AOS5). Identifiers: Orphanet 974, MedGen C4014970, MONDO:0014459, OMIM 616028.

Allele frequency attached by ClinVar (database versions not stated): gnomAD exomes 0.00001 and 0.00003; ExAC 0.00002; gnomAD 0.00004; TOPMed 0.00004.
gnomAD v4.1: 50 of 1,612,552 alleles (0.0031%); highest among the groups gnomAD compares: Admixed American, 0.005%; no homozygotes.

Submissions (3):

Labcorp Genetics (formerly Invitae), Labcorp
Classification: Likely benign for Adams-Oliver syndrome 5. Last evaluated: 2025-11-25. Review status: criteria provided, single submitter. Criteria: Invitae Variant Classification Sherloc (09022015). Collection method: clinical testing. Allele origin: germline.

Center for Human Genetics, Inc
Classification: Uncertain significance for Connective tissue disorder. Last evaluated: 2016-11-01. Review status: criteria provided, single submitter. Criteria: ACMG Guidelines, 2015. Collection method: clinical testing. Allele origin: germline. Affected: yes.

PreventionGenetics, part of Exact Sciences
Classification: Likely benign for NOTCH1-related condition. Last evaluated: 2023-04-10. Review status: no assertion criteria provided. Collection method: clinical testing. Allele origin: germline. Not counted in ClinVar's aggregate classification.
Comment: This variant is classified as likely benign based on ACMG/AMP sequence variant interpretation guidelines (Richards et al. 2015 PMID: 25741868, with internal and published modifications).